The following is an entry in ClinVar:

NM_025114.4(CEP290):c.5187G>T (p.Arg1729=)

Gene: CEP290 (centrosomal protein 290; minus strand). Cytogenetic location: 12q21.32.
Variant type: single nucleotide variant.
Coding change: c.5187G>T on transcript NM_025114.4 (MANE Select); coding-DNA position 5187, G replaced by T.
Protein change: p.Arg1729=; no amino-acid change (arginine 1729 retained).
Molecular consequence: synonymous variant.
Genome position (GRCh38, 1-based): chr12:88,080,221, C>A on the plus strand (G>T on the coding strand, the complement: CEP290 is on the minus strand). VCF-style: chr12-88080221-C-A. GRCh37 (hg19) VCF-style: chr12-88473998-C-A.
Identifiers: ClinVar variation 3346370 (VCV003346370.2).

ClinVar aggregate classification (germline): Conflicting classifications of pathogenicity. Review status: no assertion criteria provided (0 of 4 stars). 2 submissions from 2 submitters: Uncertain significance (1); Likely benign (1). Last evaluated 2025-01-28.

Conditions:
Leber congenital amaurosis (LCA). Also called: Leber's amaurosis. Identifiers: Orphanet 65, MedGen C0339527, MeSH D057130, MONDO:0018998.
CEP290-related disorder. Also called: CEP290-related condition; CEP290-related disorders. Identifiers: MedGen CN239314.

Submissions (2):

Natera, Inc.
Classification: Uncertain significance for Leber congenital amaurosis. Last evaluated: 2025-01-28. Review status: no assertion criteria provided. Collection method: clinical testing. Allele origin: germline.

PreventionGenetics, part of Exact Sciences
Classification: Likely benign for CEP290-related condition. Last evaluated: 2024-07-08. Review status: no assertion criteria provided. Collection method: clinical testing. Allele origin: germline.
Comment: This variant is classified as likely benign based on ACMG/AMP sequence variant interpretation guidelines (Richards et al. 2015 PMID: 25741868, with internal and published modifications).